The following is an entry in ClinVar:

ClinVar aggregate classification (germline): Uncertain significance (1 of 4 stars; one submission).

Conditions:
Jeune thoracic dystrophy. Also called: Jeune syndrome; Infantile thoracic dystrophy; Thoracic pelvic phalangeal dystrophy; Jeune's syndrome; Chondroectodermal dysplasia-like syndrome; Short-rib thoracic dysplasia. Identifiers: Orphanet 474, MedGen C0265275, MONDO:0018770.

Allele frequency attached by ClinVar (database versions not stated): gnomAD exomes below 0.00001; ExAC 0.00001.
gnomAD v4.1: 1 of 1,612,842 alleles (0.000062%); highest among the groups gnomAD compares: Non-Finnish European, 0.000085%; no homozygotes.

Submission:

Labcorp Genetics (formerly Invitae), Labcorp
Classification: Uncertain significance for Jeune thoracic dystrophy. Last evaluated: 2025-08-18. Review status: criteria provided, single submitter. Criteria: Invitae Variant Classification Sherloc (09022015). Collection method: clinical testing. Allele origin: germline.
Comment: This sequence change replaces threonine, which is neutral and polar, with alanine, which is neutral and non-polar, at codon 2259 of the DYNC2H1 protein (p.Thr2259Ala). This variant is present in population databases (rs775902033, gnomAD 0.0009%). This variant has not been reported in the literature in individuals affected with DYNC2H1-related conditions. ClinVar contains an entry for this variant (Variation ID: 2014727). Invitae Evidence Modeling of protein sequence and biophysical properties (such as structural, functional, and spatial information, amino acid conservation, physicochemical variation, residue mobility, and thermodynamic stability) indicates that this missense variant is not expected to disrupt DYNC2H1 protein function with a negative predictive value of 95%. In summary, the available evidence is currently insufficient to determine the role of this variant in disease. Therefore, it has been classified as a Variant of Uncertain Significance.

NM_001377.3(DYNC2H1):c.6775A>G (p.Thr2259Ala)

Gene: DYNC2H1 (dynein cytoplasmic 2 heavy chain 1; plus strand). Cytogenetic location: 11q22.3.
Variant type: single nucleotide variant.
Coding change: c.6775A>G on transcript NM_001377.3 (MANE Select); coding-DNA position 6775, A replaced by G.
Protein change: p.Thr2259Ala; replaces threonine 2259 with alanine.
Molecular consequence: missense variant.
Genome position (GRCh38, 1-based): chr11:103,186,383, A>G. VCF-style: chr11-103186383-A-G. GRCh37 (hg19) VCF-style: chr11-103057112-A-G.
Other names: c.6775A>G, p.Thr2259Ala (NM_001080463.2); short protein forms T2259A.
Identifiers: ClinVar variation 2014727 (VCV002014727.4), dbSNP rs775902033, ClinGen allele CA6254073.